The following is an entry in ClinVar:

ClinVar aggregate classification (germline): Benign. Review status: criteria provided, multiple submitters, no conflicts (2 of 4 stars). 2 submissions from 2 submitters: Benign (2). Last evaluated 2018-01-13.

Conditions:
Multiple synostoses syndrome 3 (SYNS3). Identifiers: Orphanet 3237, MedGen C2751826, MONDO:0013064, OMIM 612961.

Allele frequency attached by ClinVar (database versions not stated): TOPMed 0.22622; 1000 Genomes Project 30x 0.20159; gnomAD 0.21944 and 0.22949; 1000 Genomes Project 0.19369.

Submissions (2):

Illumina Laboratory Services, Illumina
Classification: Benign for Multiple synostoses syndrome 3. Last evaluated: 2018-01-13. Review status: criteria provided, single submitter. Criteria: ICSL Variant Classification Criteria 13 December 2019. Collection method: clinical testing. Allele origin: germline.
Comment: This variant was observed in the ICSL laboratory as part of a predisposition screen in an ostensibly healthy population. It had not been previously curated by ICSL or reported in the Human Gene Mutation Database (HGMD: prior to June 1st, 2018), and was therefore a candidate for classification through an automated scoring system. Utilizing variant allele frequency, disease prevalence and penetrance estimates, and inheritance mode, an automated score was calculated to assess if this variant is too frequent to cause the disease. Based on the score and internal cut-off values, a variant classified as benign is not then subjected to further curation. The score for this variant resulted in a classification of benign for this disease.

Breakthrough Genomics
Classification: Benign. Review status: criteria provided, single submitter. Criteria: ACMG Guidelines, 2015. Collection method: not provided. Allele origin: germline. Inheritance: Autosomal dominant inheritance. Affected: yes.

NM_002010.3(FGF9):c.*1094C>T

Gene: FGF9 (fibroblast growth factor 9; plus strand). Cytogenetic location: 13q12.11.
Variant type: single nucleotide variant.
Coding change: c.*1094C>T on transcript NM_002010.3 (MANE Select); 1094 bases downstream of the stop codon, C replaced by T.
Molecular consequence: 3 prime UTR variant.
Genome position (GRCh38, 1-based): chr13:21,702,529, C>T. VCF-style: chr13-21702529-C-T. GRCh37 (hg19) VCF-style: chr13-22276668-C-T.
Identifiers: ClinVar variation 311454 (VCV000311454.6), dbSNP rs3715, ClinGen allele CA10643979.